The following is an entry in ClinVar:

NM_004655.4(AXIN2):c.2274G>A (p.Ala758=)

Gene: AXIN2 (axin 2; minus strand). Cytogenetic location: 17q24.1.
Variant type: single nucleotide variant.
Coding change: c.2274G>A on transcript NM_004655.4 (MANE Select); coding-DNA position 2274, G replaced by A.
Protein change: p.Ala758=; no amino-acid change (alanine 758 retained).
Molecular consequence: synonymous variant.
Genome position (GRCh38, 1-based): chr17:65,534,043, C>T on the plus strand (G>A on the coding strand, the complement: AXIN2 is on the minus strand). VCF-style: chr17-65534043-C-T. GRCh37 (hg19) VCF-style: chr17-63530161-C-T.
Other names: c.2079G>A, p.Ala693= (NM_001363813.1); c.2274G>A (LRG_296t1).
Identifiers: ClinVar variation 533257 (VCV000533257.19), dbSNP rs756178538, ClinGen allele CA8718330.

ClinVar aggregate classification (germline): Benign/Likely benign. Review status: criteria provided, multiple submitters, no conflicts (2 of 4 stars). 5 submissions from 5 submitters: Benign (1); Likely benign (3). 1 of the submissions does not count toward it. Last evaluated 2025-12-08.

Conditions:
AXIN2-related disorder.
Hereditary cancer-predisposing syndrome. Also called: Hereditary neoplastic syndrome; Neoplastic Syndromes, Hereditary; Tumor predisposition; Hereditary Cancer Syndrome. Identifiers: Orphanet 140162, MedGen C0027672, MeSH D009386, MONDO:0015356.
Oligodontia-cancer predisposition syndrome. Also called: TOOTH AGENESIS-COLORECTAL CANCER SYNDROME. Identifiers: Orphanet 300576, MedGen C1837750, MONDO:0012075, OMIM 608615. Disease mechanism: loss of function.

Allele frequency attached by ClinVar (database versions not stated): gnomAD exomes below 0.00001 and 0.00001; ExAC 0.00001; gnomAD 0.00001; TOPMed 0.00001.
gnomAD v4.1: 15 of 1,614,094 alleles (0.00093%); highest among the groups gnomAD compares: Middle Eastern, 0.016%; no homozygotes.

Submissions (5):

Labcorp Genetics (formerly Invitae), Labcorp
Classification: Likely benign for Oligodontia-cancer predisposition syndrome. Last evaluated: 2025-12-08. Review status: criteria provided, single submitter. Criteria: Invitae Variant Classification Sherloc (09022015). Collection method: clinical testing. Allele origin: germline.

Center for Genomic Medicine, Rigshospitalet, Copenhagen University Hospital
Classification: Likely benign. Last evaluated: 2025-03-04. Review status: criteria provided, single submitter. Criteria: ACMG Guidelines, 2015. Collection method: clinical testing. Allele origin: germline.

Myriad Genetics, Inc.
Classification: Benign for Oligodontia-cancer predisposition syndrome. Last evaluated: 2024-07-10. Review status: criteria provided, single submitter. Criteria: Myriad Autosomal Dominant, Autosomal Recessive and X-Linked Classification Criteria (2023). Collection method: clinical testing. Allele origin: unknown.
Comment: This variant is considered benign. This variant is a silent/synonymous amino acid change and it is not expected to impact splicing.

Ambry Genetics
Classification: Likely benign for Hereditary cancer-predisposing syndrome. Last evaluated: 2021-03-29. Review status: criteria provided, single submitter. Criteria: Ambry Variant Classification Scheme 2023. Collection method: clinical testing. Allele origin: germline.

PreventionGenetics, part of Exact Sciences
Classification: Likely benign for AXIN2-related condition. Last evaluated: 2024-01-03. Review status: no assertion criteria provided. Collection method: clinical testing. Allele origin: germline. Not counted in ClinVar's aggregate classification.
Comment: This variant is classified as likely benign based on ACMG/AMP sequence variant interpretation guidelines (Richards et al. 2015 PMID: 25741868, with internal and published modifications).